The following is an entry in ClinVar:

NM_007294.4(BRCA1):c.944_1007del (p.Arg315fs)

Gene: BRCA1 (BRCA1 DNA repair associated; minus strand). Cytogenetic location: 17q21.31.
Variant type: Deletion.
Coding change: c.944_1007del on transcript NM_007294.4 (MANE Select); coding-DNA positions 944 to 1007, 64 bases deleted.
Protein change: p.Arg315fs; shifts the reading frame from arginine 315.
Molecular consequence: frameshift variant. On other transcripts: intron variant (137).
Genome position (GRCh38, 1-based): chr17:43,094,524-43,094,587, 64 bases deleted. GRCh37 (hg19): chr17:41,246,541-41,246,604.
Other names: 1063del64bp; c.611_674del, p.Arg204fs (NM_001407950.1, NM_001407951.1, NM_001407952.1 and 6 more transcripts); c.608_671del, p.Arg203fs (NM_001407954.1, NM_001407955.1, NM_001407956.1 and 1 more transcripts); c.563_626del, p.Arg188fs (NM_001407959.1, NM_001407960.1, NM_001407963.1); c.560_623del, p.Arg187fs (NM_001407962.1); c.800_863del, p.Arg267fs (NM_001407964.1, NM_001407740.1, NM_001407741.1 and 20 more transcripts); c.440_503del, p.Arg147fs (NM_001407965.1); c.56_119del, p.Arg19fs (NM_001407966.1, NM_001407967.1); and 41 more; short protein forms R268fs, R315fs, R245fs, R247fs, R267fs, R188fs, R19fs, R203fs.
Identifiers: ClinVar variation 266594 (VCV000266594.6), dbSNP rs1555592683, ClinGen allele CA10589974.

ClinVar aggregate classification (germline): Pathogenic. Review status: reviewed by expert panel (3 of 4 stars). 2 submissions from 2 submitters: Pathogenic (1). 1 of the submissions does not count toward it. Last evaluated 2016-10-18.

Conditions:
Breast-ovarian cancer, familial, susceptibility to, 1 (BROVCA1). Also called: BRCA1 Hereditary Breast and Ovarian Cancer; OVARIAN CANCER, SUSCEPTIBILITY TO. Identifiers: Orphanet 145, MedGen C2676676, MONDO:0011450, OMIM 604370. Disease mechanism: loss of function.

Submissions (2):

Evidence-based Network for the Interpretation of Germline Mutant Alleles (ENIGMA)
Classification: Pathogenic for Breast-ovarian cancer, familial, susceptibility to, 1. Last evaluated: 2016-10-18. Review status: reviewed by expert panel. Criteria: ENIGMA BRCA1/2 Classification Criteria (2015). Collection method: curation. Allele origin: germline.
Comment: Variant allele predicted to encode a truncated non-functional protein.

Consortium of Investigators of Modifiers of BRCA1/2 (CIMBA), c/o University of Cambridge
Classification: Pathogenic for Breast-ovarian cancer, familial, susceptibility to, 1. Last evaluated: 2015-10-02. Review status: criteria provided, single submitter. Criteria: CIMBA Mutation Classification guidelines May 2016. Collection method: clinical testing. Allele origin: germline. Not counted in ClinVar's aggregate classification.